The following is an entry in ClinVar:

NM_020919.4(ALS2):c.131T>C (p.Leu44Ser)

Gene: ALS2 (alsin Rho guanine nucleotide exchange factor ALS2; minus strand). Cytogenetic location: 2q33.1.
Variant type: single nucleotide variant.
Coding change: c.131T>C on transcript NM_020919.4 (MANE Select); coding-DNA position 131, T replaced by C.
Protein change: p.Leu44Ser; replaces leucine 44 with serine.
Molecular consequence: missense variant.
Genome position (GRCh38, 1-based): chr2:201,767,273, A>G on the plus strand (T>C on the coding strand, the complement: ALS2 is on the minus strand). VCF-style: chr2-201767273-A-G. GRCh37 (hg19) VCF-style: chr2-202631996-A-G.
Other names: c.131T>C, p.Leu44Ser (NM_001135745.2, NM_001410975.1); short protein forms L44S.
Identifiers: ClinVar variation 1979796 (VCV001979796.2), dbSNP rs372556554, ClinGen allele CA2058726.

ClinVar aggregate classification (germline): Uncertain significance (1 of 4 stars; one submission).

Conditions:
Infantile-onset ascending hereditary spastic paralysis (IAHSP). Also called: Autosomal Recessive Juvenile Amyotrophic Lateral Sclerosis; Infantile-Onset Ascending Hereditary Spastic Paralysis (IAHSP). Identifiers: Orphanet 293168, MedGen C2931441, MONDO:0011797, OMIM 607225. Disease mechanism: loss of function.

Allele frequency attached by ClinVar (database versions not stated): gnomAD exomes below 0.00001; ExAC 0.00002; gnomAD 0.00007; TOPMed 0.00009; ESP Exome Variant Server 0.00025.
gnomAD v4.1: 17 of 1,613,970 alleles (0.0011%); highest among the groups gnomAD compares: African/African-American, 0.015%; no homozygotes.

Submission:

Labcorp Genetics (formerly Invitae), Labcorp
Classification: Uncertain significance for Infantile-onset ascending hereditary spastic paralysis. Last evaluated: 2025-10-20. Review status: criteria provided, single submitter. Criteria: Invitae Variant Classification Sherloc (09022015). Collection method: clinical testing. Allele origin: germline.
Comment: This sequence change replaces leucine, which is neutral and non-polar, with serine, which is neutral and polar, at codon 44 of the ALS2 protein (p.Leu44Ser). This variant is present in population databases (rs372556554, gnomAD 0.02%). This variant has not been reported in the literature in individuals affected with ALS2-related conditions. ClinVar contains an entry for this variant (Variation ID: 1979796). An algorithm developed to predict the effect of missense changes on protein structure and function (PolyPhen-2) suggests that this variant is likely to be disruptive. In summary, the available evidence is currently insufficient to determine the role of this variant in disease. Therefore, it has been classified as a Variant of Uncertain Significance.